The following is an entry in ClinVar:

ClinVar aggregate classification (germline): Uncertain significance (1 of 4 stars; one submission).

Allele frequency attached by ClinVar (database versions not stated): gnomAD exomes below 0.00001; ExAC 0.00001.
gnomAD v4.1: 1 of 1,605,570 alleles (0.000062%); highest among the groups gnomAD compares: Admixed American, 0.0017%; no homozygotes.

Submission:

Labcorp Genetics (formerly Invitae), Labcorp
Classification: Uncertain significance. Last evaluated: 2025-07-13. Review status: criteria provided, single submitter. Criteria: Invitae Variant Classification Sherloc (09022015). Collection method: clinical testing. Allele origin: germline.
Comment: This sequence change replaces methionine, which is neutral and non-polar, with threonine, which is neutral and polar, at codon 644 of the LEMD3 protein (p.Met644Thr). This variant is present in population databases (rs754855189, gnomAD 0.003%). This variant has not been reported in the literature in individuals affected with LEMD3-related conditions. ClinVar contains an entry for this variant (Variation ID: 1011494). Invitae Evidence Modeling of protein sequence and biophysical properties (such as structural, functional, and spatial information, amino acid conservation, physicochemical variation, residue mobility, and thermodynamic stability) indicates that this missense variant is not expected to disrupt LEMD3 protein function with a negative predictive value of 80%. In summary, the available evidence is currently insufficient to determine the role of this variant in disease. Therefore, it has been classified as a Variant of Uncertain Significance.

NM_014319.5(LEMD3):c.1931T>C (p.Met644Thr)

Gene: LEMD3 (LEM domain containing 3; plus strand). Cytogenetic location: 12q14.3.
Variant type: single nucleotide variant.
Coding change: c.1931T>C on transcript NM_014319.5 (MANE Select); coding-DNA position 1931, T replaced by C.
Protein change: p.Met644Thr; replaces methionine 644 with threonine.
Molecular consequence: missense variant.
Genome position (GRCh38, 1-based): chr12:65,239,938, T>C. VCF-style: chr12-65239938-T-C. GRCh37 (hg19) VCF-style: chr12-65633718-T-C.
Other names: c.1928T>C, p.Met643Thr (NM_001167614.2); short protein forms M643T, M644T.
Identifiers: ClinVar variation 1011494 (VCV001011494.8), dbSNP rs754855189, ClinGen allele CA6671081.